The following is an entry in ClinVar:

NM_000785.4(CYP27B1):c.963G>T (p.Thr321=)

Gene: CYP27B1 (cytochrome P450 family 27 subfamily B member 1; minus strand). Cytogenetic location: 12q14.1.
Variant type: single nucleotide variant.
Coding change: c.963G>T on transcript NM_000785.4 (MANE Select); coding-DNA position 963, G replaced by T.
Protein change: p.Thr321=; no amino-acid change (threonine 321 retained).
Molecular consequence: synonymous variant.
Genome position (GRCh38, 1-based): chr12:57,764,754, C>A on the plus strand (G>T on the coding strand, the complement: CYP27B1 is on the minus strand). VCF-style: chr12-57764754-C-A. GRCh37 (hg19) VCF-style: chr12-58158537-C-A.
Identifiers: ClinVar variation 2051087 (VCV002051087.3), dbSNP rs201302886, ClinGen allele CA6658290.

ClinVar aggregate classification (germline): Uncertain significance. Review status: criteria provided, multiple submitters, no conflicts (2 of 4 stars). 3 submissions from 3 submitters: Uncertain significance (3). Last evaluated 2024-01-29.

Conditions:
Vitamin D-dependent rickets, type 1A. Also called: VITAMIN D HYDROXYLATION-DEFICIENT RICKETS, TYPE 1A; PDDR IA; PSEUDOVITAMIN D-DEFICIENCY RICKETS, TYPE IA. Identifiers: MedGen CN283242, MONDO:0020723, OMIM 264700.
Inborn genetic diseases. Identifiers: MedGen C0950123, MeSH D030342.

Allele frequency attached by ClinVar (database versions not stated): ESP Exome Variant Server 0.00023; 1000 Genomes Project 0.00040; ExAC 0.00011; gnomAD 0.00029; TOPMed 0.00039; 1000 Genomes Project 30x 0.00031.
gnomAD v4.1: 96 of 1,614,078 alleles (0.0059%); highest among the groups gnomAD compares: African/African-American, 0.099%; no homozygotes.

Submissions (3):

Fulgent Genetics
Classification: Uncertain significance for Vitamin D-dependent rickets, type 1A. Last evaluated: 2024-01-29. Review status: criteria provided, single submitter. Criteria: ACMG Guidelines, 2015. Collection method: clinical testing. Allele origin: germline.

Labcorp Genetics (formerly Invitae), Labcorp
Classification: Uncertain significance. Last evaluated: 2022-09-19. Review status: criteria provided, single submitter. Criteria: Invitae Variant Classification Sherloc (09022015). Collection method: clinical testing. Allele origin: germline.
Comment: This sequence change affects codon 321 of the CYP27B1 mRNA. It is a 'silent' change, meaning that it does not change the encoded amino acid sequence of the CYP27B1 protein. This variant also falls at the last nucleotide of exon 5, which is part of the consensus splice site for this exon. This variant is present in population databases (rs201302886, gnomAD 0.1%). This variant has not been reported in the literature in individuals affected with CYP27B1-related conditions. Variants that disrupt the consensus splice site are a relatively common cause of aberrant splicing (PMID: 17576681, 9536098). Algorithms developed to predict the effect of sequence changes on RNA splicing suggest that this variant may create or strengthen a splice site. In summary, the available evidence is currently insufficient to determine the role of this variant in disease. Therefore, it has been classified as a Variant of Uncertain Significance.

Ambry Genetics
Classification: Uncertain significance for Inborn genetic diseases. Last evaluated: 2022-02-22. Review status: criteria provided, single submitter. Criteria: Ambry Variant Classification Scheme 2023. Collection method: clinical testing. Allele origin: germline.
Comment: Occurs in the last base pair of the exon Based on insufficient or conflicting evidence, the clinical significance of this alteration remains unclear.

Literature cited by the submitters: PubMed 17576681 (cited by Labcorp Genetics (formerly Invitae), Labcorp); PubMed 9536098 (cited by Labcorp Genetics (formerly Invitae), Labcorp).